The following is an entry in ClinVar:

NM_001160372.4(TRAPPC9):c.938G>T (p.Arg313Leu)

Gene: TRAPPC9 (trafficking protein particle complex subunit 9; minus strand). Cytogenetic location: 8q24.3.
Variant type: single nucleotide variant.
Coding change: c.938G>T on transcript NM_001160372.4 (MANE Select); coding-DNA position 938, G replaced by T.
Protein change: p.Arg313Leu; replaces arginine 313 with leucine.
Molecular consequence: missense variant. On other transcripts: non-coding transcript variant (1).
Genome position (GRCh38, 1-based): chr8:140,405,647, C>A on the plus strand (G>T on the coding strand, the complement: TRAPPC9 is on the minus strand). VCF-style: chr8-140405647-C-A. GRCh37 (hg19) VCF-style: chr8-141415746-C-A.
Other names: c.911G>T, p.Arg304Leu (NM_001321646.2); c.959G>T, p.Arg320Leu (NM_001374682.1); c.938G>T, p.Arg313Leu (NM_001374683.1, NM_001374684.1, NM_031466.8); short protein forms R304L, R313L, R320L.
Identifiers: ClinVar variation 1755936 (VCV001755936.2), dbSNP rs757159552, ClinGen allele CA372320736.

ClinVar aggregate classification (germline): Uncertain significance (1 of 4 stars; one submission).

Conditions:
Inborn genetic diseases. Identifiers: MedGen C0950123, MeSH D030342.

gnomAD v4.1: 3 of 1,614,018 alleles (0.00019%); highest among the groups gnomAD compares: South Asian, 0.0011%; no homozygotes.

Submission:

Ambry Genetics
Classification: Uncertain significance for Inborn genetic diseases. Last evaluated: 2018-01-25. Review status: criteria provided, single submitter. Criteria: Ambry Variant Classification Scheme 2023. Collection method: clinical testing. Allele origin: germline.
Comment: The p.R411L variant (also known as c.1232G>T), located in coding exon 6 of the TRAPPC9 gene, results from a G to T substitution at nucleotide position 1232. The arginine at codon 411 is replaced by leucine, an amino acid with dissimilar properties. This amino acid position is highly conserved in available vertebrate species. In addition, this alteration is predicted to be deleterious by in silico analysis. Since supporting evidence is limited at this time, the clinical significance of this alteration remains unclear.